The following is an entry in ClinVar:

NM_177977.3(HAP1):c.1201-7C>T

Gene: HAP1 (huntingtin associated protein 1; minus strand). Cytogenetic location: 17q21.2.
Variant type: single nucleotide variant.
Coding change: c.1201-7C>T on transcript NM_177977.3 (MANE Select); 7 bases into the intron before coding-DNA position 1201, C replaced by T.
Molecular consequence: intron variant. On other transcripts: synonymous variant (1).
Genome position (GRCh38, 1-based): chr17:41,727,843, G>A on the plus strand (C>T on the coding strand, the complement: HAP1 is on the minus strand). VCF-style: chr17-41727843-G-A. GRCh37 (hg19) VCF-style: chr17-39884095-G-A.
Other names: c.1290C>T, p.Ser430= (NM_001367459.1); c.1200+358C>T (NM_001367462.1, NM_001367461.1, NM_001367460.1 and 1 more transcripts); c.1224+358C>T (NM_001079870.1).
Identifiers: ClinVar variation 3042532 (VCV003042532.2), dbSNP rs1380578349, ClinGen allele CA500011772.

ClinVar aggregate classification (germline): Likely benign (0 of 4 stars; one submission).

Conditions:
HAP1-related disorder. Also called: HAP1-related condition.

Allele frequency attached by ClinVar (database versions not stated): gnomAD exomes 0.00001; gnomAD 0.00002.

Submission:

PreventionGenetics, part of Exact Sciences
Classification: Likely benign for HAP1-related condition. Last evaluated: 2019-07-01. Review status: no assertion criteria provided. Collection method: clinical testing. Allele origin: germline.
Comment: This variant is classified as likely benign based on ACMG/AMP sequence variant interpretation guidelines (Richards et al. 2015 PMID: 25741868, with internal and published modifications).